The following is an entry in ClinVar:

NM_017617.5(NOTCH1):c.389C>T (p.Pro130Leu)

Gene: NOTCH1 (notch receptor 1; minus strand). Cytogenetic location: 9q34.3.
Variant type: single nucleotide variant.
Coding change: c.389C>T on transcript NM_017617.5 (MANE Select); coding-DNA position 389, C replaced by T.
Protein change: p.Pro130Leu; replaces proline 130 with leucine.
Molecular consequence: missense variant.
Genome position (GRCh38, 1-based): chr9:136,523,731, G>A on the plus strand (C>T on the coding strand, the complement: NOTCH1 is on the minus strand). VCF-style: chr9-136523731-G-A. GRCh37 (hg19) VCF-style: chr9-139418183-G-A.
Other names: c.389C>T, p.Pro130Leu (LRG_1122t1); short protein forms P130L.
Identifiers: ClinVar variation 585113 (VCV000585113.7), dbSNP rs750539322, ClinGen allele CA5342190.

ClinVar aggregate classification (germline): Conflicting classifications of pathogenicity. Review status: criteria provided, conflicting classifications (1 of 4 stars). 2 submissions from 2 submitters: Uncertain significance (1); Benign (1). Last evaluated 2025-09-08.

Conditions:
NOTCH1-related disorder. Also called: NOTCH1-related condition; NOTCH1-related disorders.
Adams-Oliver syndrome 5 (AOS5). Identifiers: Orphanet 974, MedGen C4014970, MONDO:0014459, OMIM 616028.

Allele frequency attached by ClinVar (database versions not stated): ExAC 0.00001; gnomAD 0.00001; TOPMed 0.00001; gnomAD exomes 0.00002 and 0.00003.
gnomAD v4.1: 30 of 1,607,946 alleles (0.0019%); highest among the groups gnomAD compares: South Asian, 0.0033%; no homozygotes.

Submissions (2):

Labcorp Genetics (formerly Invitae), Labcorp
Classification: Benign for Adams-Oliver syndrome 5. Last evaluated: 2025-09-08. Review status: criteria provided, single submitter. Criteria: Invitae Variant Classification Sherloc (09022015). Collection method: clinical testing. Allele origin: germline.

GeneDx
Classification: Uncertain significance. Last evaluated: 2024-01-04. Review status: criteria provided, single submitter. Criteria: GeneDx Variant Classification Process June 2021. Collection method: clinical testing. Allele origin: germline. Affected: yes.
Comment: Not observed at significant frequency in large population cohorts (gnomAD); In silico analysis supports that this missense variant has a deleterious effect on protein structure/function; Has not been previously published as pathogenic or benign to our knowledge